The following is an entry in ClinVar:

NM_032790.4(ORAI1):c.131_141delCACCGCCGCCG (p.Pro44Leufs)

Genes: ORAI1 (ORAI calcium release-activated calcium modulator 1; plus strand), LOC130008987 (ATAC-STARR-seq lymphoblastoid silent region 4981; plus strand). Cytogenetic location: 12q24.31.
Variant type: Deletion.
Coding change: c.131_141delCACCGCCGCCG on transcript NM_032790.4 (MANE Select); coding-DNA positions 131 to 141, 11 bases deleted (CACCGCCGCCG).
Protein change: p.Pro44Leufs; shifts the reading frame from proline 44.
Genome position (GRCh38, 1-based): chr12:121,626,878-121,626,888, CACCGCCGCCG deleted. VCF-style (leftmost placement, unchanged base first): chr12-121626877-CCACCGCCGCCG-C. GRCh37 (hg19) VCF-style: chr12-122064783-CCACCGCCGCCG-C.
Other names: short protein forms P44fs.
Identifiers: ClinVar variation 2160732 (VCV002160732.5), dbSNP rs1566465885, ClinGen allele CA919191193.

ClinVar aggregate classification (germline): Uncertain significance. Review status: criteria provided, multiple submitters, no conflicts (2 of 4 stars). 2 submissions from 2 submitters: Uncertain significance (2). Last evaluated 2025-12-26.

Conditions:
Myopathy, tubular aggregate, 2 (TAM2). Identifiers: MedGen C4014557, MONDO:0014383, OMIM 615883.
Combined immunodeficiency due to ORAI1 deficiency. Also called: IMMUNODEFICIENCY 9. Identifiers: Orphanet 169090, Orphanet 317428, MedGen C2748568, MONDO:0013007, OMIM 612782.

Submissions (2):

Labcorp Genetics (formerly Invitae), Labcorp
Classification: Uncertain significance for Myopathy, tubular aggregate, 2; Combined immunodeficiency due to ORAI1 deficiency. Last evaluated: 2025-12-26. Review status: criteria provided, single submitter. Criteria: Invitae Variant Classification Sherloc (09022015). Collection method: clinical testing. Allele origin: germline.
Comment: This sequence change creates a premature translational stop signal (p.Pro46Serfs*14) in the ORAI1 gene. However, it is currently unclear if variants that occur in this region of the gene cause disease. This variant is present in population databases (no rsID available, gnomAD 0.01%). This variant has not been reported in the literature in individuals affected with ORAI1-related conditions. ClinVar contains an entry for this variant (Variation ID: 2160732). Experimental studies and prediction algorithms are not available or were not evaluated, and the functional significance of this variant is currently unknown. In summary, the available evidence is currently insufficient to determine the role of this variant in disease. Therefore, it has been classified as a Variant of Uncertain Significance.

Blueprint Genetics
Classification: Uncertain significance. Last evaluated: 2024-05-13. Review status: criteria provided, single submitter. Criteria: ACMG Guidelines, 2015. Collection method: clinical testing. Allele origin: germline.